The following is an entry in ClinVar:

ClinVar aggregate classification (germline): Uncertain significance (1 of 4 stars; one submission).

Conditions:
Congenital myasthenic syndrome 8. Also called: MYASTHENIC SYNDROME, CONGENITAL, DUE TO AGRIN DEFICIENCY; Myasthenic syndrome, congenital, 8, with pre- and postsynaptic defects. Identifiers: Orphanet 590, MedGen C3808739, MONDO:0014052, OMIM 615120.

Allele frequency attached by ClinVar (database versions not stated): TOPMed below 0.00001; gnomAD 0.00001; gnomAD exomes 0.00001.
gnomAD v4.1: 9 of 1,601,280 alleles (0.00056%); highest among the groups gnomAD compares: Non-Finnish European, 0.00068%; no homozygotes.

Submission:

Labcorp Genetics (formerly Invitae), Labcorp
Classification: Uncertain significance for Congenital myasthenic syndrome 8. Last evaluated: 2023-10-03. Review status: criteria provided, single submitter. Criteria: Invitae Variant Classification Sherloc (09022015). Collection method: clinical testing. Allele origin: germline.
Comment: This sequence change replaces glutamic acid, which is acidic and polar, with lysine, which is basic and polar, at codon 600 of the AGRN protein (p.Glu600Lys). This variant also falls at the last nucleotide of exon 9, which is part of the consensus splice site for this exon. This variant is not present in population databases (gnomAD no frequency). This variant has not been reported in the literature in individuals affected with AGRN-related conditions. ClinVar contains an entry for this variant (Variation ID: 1017457). Algorithms developed to predict the effect of missense changes on protein structure and function output the following: SIFT: "Not Available"; PolyPhen-2: "Possibly Damaging"; Align-GVGD: "Not Available". The lysine amino acid residue is found in multiple mammalian species, which suggests that this missense change does not adversely affect protein function. Variants that disrupt the consensus splice site are a relatively common cause of aberrant splicing (PMID: 17576681, 9536098). Algorithms developed to predict the effect of sequence changes on RNA splicing suggest that this variant may create or strengthen a splice site. In summary, the available evidence is currently insufficient to determine the role of this variant in disease. Therefore, it has been classified as a Variant of Uncertain Significance.

Literature cited by the submitters: PubMed 17576681; PubMed 9536098.

NM_198576.4(AGRN):c.1798G>A (p.Glu600Lys)

Gene: AGRN (agrin; plus strand). Cytogenetic location: 1p36.33.
Variant type: single nucleotide variant.
Coding change: c.1798G>A on transcript NM_198576.4 (MANE Select); coding-DNA position 1798, G replaced by A.
Protein change: p.Glu600Lys; replaces glutamic acid 600 with lysine.
Molecular consequence: missense variant.
Genome position (GRCh38, 1-based): chr1:1,043,732, G>A. VCF-style: chr1-1043732-G-A. GRCh37 (hg19) VCF-style: chr1-979112-G-A.
Other names: c.1798G>A, p.Glu600Lys (NM_001305275.2); c.1483G>A, p.Glu495Lys (NM_001364727.2); short protein forms E495K, E600K.
Identifiers: ClinVar variation 1017457 (VCV001017457.8), dbSNP rs1310138293, ClinGen allele CA337834188.